The following is an entry in ClinVar:

NM_001384140.1(PCDH15):c.1032A>G (p.Thr344=)

Gene: PCDH15 (protocadherin related 15; minus strand). Cytogenetic location: 10q21.1.
Variant type: single nucleotide variant.
Coding change: c.1032A>G on transcript NM_001384140.1 (MANE Select); coding-DNA position 1032, A replaced by G.
Protein change: p.Thr344=; no amino-acid change (threonine 344 retained).
Molecular consequence: synonymous variant.
Genome position (GRCh38, 1-based): chr10:54,214,002, T>C on the plus strand (A>G on the coding strand, the complement: PCDH15 is on the minus strand). VCF-style: chr10-54214002-T-C. GRCh37 (hg19) VCF-style: chr10-55973762-T-C.
Other names: c.1047A>G, p.Thr349= (NM_001142763.2, NM_001142769.4, NM_001142771.2); c.1032A>G, p.Thr344= (NM_001142764.2, NM_001142765.2, NM_001142766.2 and 7 more transcripts); c.921A>G, p.Thr307= (NM_001142767.2); c.966A>G, p.Thr322= (NM_001142768.2, NM_001142773.2, NM_001354404.2); c.1032A>G (NM_033056.3).
Identifiers: ClinVar variation 1138766 (VCV001138766.10), dbSNP rs376067863, ClinGen allele CA5506510.

ClinVar aggregate classification (germline): Likely benign. Review status: criteria provided, multiple submitters, no conflicts (2 of 4 stars). 2 submissions from 2 submitters: Likely benign (2). Last evaluated 2025-07-21.

Conditions:
PCDH15-related disorder. Also called: PCDH15-related condition; PCDH15-related disorders.

Allele frequency attached by ClinVar (database versions not stated): ExAC 0.00001; gnomAD exomes 0.00001; gnomAD 0.00004; TOPMed 0.00005; ESP Exome Variant Server 0.00008.
gnomAD v4.1: 8 of 1,611,862 alleles (0.0005%); highest among the groups gnomAD compares: African/African-American, 0.011%; 1 homozygote.

Submissions (2):

PreventionGenetics, part of Exact Sciences
Classification: Likely benign for PCDH15-related condition. Last evaluated: 2025-07-21. Review status: criteria provided, single submitter. Criteria: ACMG Guidelines, 2015. Collection method: clinical testing. Allele origin: germline.
Comment: This variant is classified as likely benign based on ACMG/AMP sequence variant interpretation guidelines (Richards et al. 2015 PMID: 25741868, with internal and published modifications).

Labcorp Genetics (formerly Invitae), Labcorp
Classification: Likely benign. Last evaluated: 2023-09-07. Review status: criteria provided, single submitter. Criteria: Invitae Variant Classification Sherloc (09022015). Collection method: clinical testing. Allele origin: germline.